The following is an entry in ClinVar:

ClinVar aggregate classification (germline): Uncertain significance. Review status: criteria provided, multiple submitters, no conflicts (2 of 4 stars). 2 submissions from 2 submitters: Uncertain significance (2). Last evaluated 2025-12-16.

Conditions:
EP300-related disorder. Also called: EP300-related disorders; EP300-related condition.
Inborn genetic diseases. Identifiers: MedGen C0950123, MeSH D030342.

gnomAD v4.1: 6 of 1,608,900 alleles (0.00037%); highest among the groups gnomAD compares: African/African-American, 0.0013%; no homozygotes.

Submissions (2):

Ambry Genetics
Classification: Uncertain significance for Inborn genetic diseases. Last evaluated: 2025-12-16. Review status: criteria provided, single submitter. Criteria: Ambry Variant Classification Scheme 2023. Collection method: clinical testing. Allele origin: germline.

PreventionGenetics, part of Exact Sciences
Classification: Uncertain significance for EP300-related condition. Last evaluated: 2025-08-15. Review status: criteria provided, single submitter. Criteria: ACMG Guidelines, 2015. Collection method: clinical testing. Allele origin: germline.
Comment: The EP300 c.7241A>G variant is predicted to result in the amino acid substitution p.His2414Arg. To our knowledge, this variant has not been reported in the literature. This variant is reported in 0.0063% of alleles in individuals of African descent in gnomAD. Although we suspect that this variant may be benign, at this time, the clinical significance of this variant is uncertain due to the absence of conclusive functional and genetic evidence.

NM_001429.4(EP300):c.7241A>G (p.His2414Arg)

Gene: EP300 (EP300 lysine acetyltransferase; plus strand). Cytogenetic location: 22q13.2.
Variant type: single nucleotide variant.
Coding change: c.7241A>G on transcript NM_001429.4 (MANE Select); coding-DNA position 7241, A replaced by G.
Protein change: p.His2414Arg; replaces histidine 2414 with arginine.
Molecular consequence: missense variant.
Genome position (GRCh38, 1-based): chr22:41,178,952, A>G. VCF-style: chr22-41178952-A-G. GRCh37 (hg19) VCF-style: chr22-41574956-A-G.
Other names: c.7163A>G, p.His2388Arg (NM_001362843.2); short protein forms H2414R, H2388R.
Identifiers: ClinVar variation 4828728 (VCV004828728.2).